The following is an entry in ClinVar:

NM_001128840.3(CACNA1D):c.6193-3C>T

Gene: CACNA1D (calcium voltage-gated channel subunit alpha1 D; plus strand). Cytogenetic location: 3p21.1.
Variant type: single nucleotide variant.
Coding change: c.6193-3C>T on transcript NM_001128840.3 (MANE Select); 3 bases into the intron before coding-DNA position 6193, C replaced by T.
Molecular consequence: intron variant.
Genome position (GRCh38, 1-based): chr3:53,811,110, C>T. VCF-style: chr3-53811110-C-T. GRCh37 (hg19) VCF-style: chr3-53845137-C-T.
Other names: c.6121-3C>T (NM_001128839.3); c.6253-3C>T (NM_000720.4).
Identifiers: ClinVar variation 2162622 (VCV002162622.4), dbSNP rs780761705, ClinGen allele CA2455400.

ClinVar aggregate classification (germline): Uncertain significance (1 of 4 stars; one submission).

Allele frequency attached by ClinVar (database versions not stated): gnomAD exomes 0.00001; ExAC 0.00002.
gnomAD v4.1: 13 of 1,613,248 alleles (0.00081%); highest among the groups gnomAD compares: East Asian, 0.013%; no homozygotes.

Submission:

Labcorp Genetics (formerly Invitae), Labcorp
Classification: Uncertain significance. Last evaluated: 2021-12-25. Review status: criteria provided, single submitter. Criteria: Invitae Variant Classification Sherloc (09022015). Collection method: clinical testing. Allele origin: germline.
Comment: In summary, the available evidence is currently insufficient to determine the role of this variant in disease. Therefore, it has been classified as a Variant of Uncertain Significance. Variants that disrupt the consensus splice site are a relatively common cause of aberrant splicing (PMID: 17576681, 9536098). Algorithms developed to predict the effect of sequence changes on RNA splicing suggest that this variant is not likely to affect RNA splicing. This variant has not been reported in the literature in individuals affected with CACNA1D-related conditions. This variant is present in population databases (rs780761705, gnomAD 0.01%). This sequence change falls in intron 48 of the CACNA1D gene. It does not directly change the encoded amino acid sequence of the CACNA1D protein. It affects a nucleotide within the consensus splice site.

Literature cited by the submitters: PubMed 17576681; PubMed 9536098.